The following is an entry in ClinVar:

NM_003002.4(SDHD):c.52+3G>C

Genes: SDHD (succinate dehydrogenase complex subunit D; plus strand), LOC126861339 (BRD4-independent group 4 enhancer GRCh37_chr11:111957035-111958234; plus strand). Cytogenetic location: 11q23.1.
Variant type: single nucleotide variant.
Coding change: c.52+3G>C on transcript NM_003002.4 (MANE Select); 3 bases into the intron after coding-DNA position 52, G replaced by C.
Molecular consequence: intron variant.
Genome position (GRCh38, 1-based): chr11:112,086,962, G>C. VCF-style: chr11-112086962-G-C. GRCh37 (hg19) VCF-style: chr11-111957686-G-C.
Other names: c.52+3G>C (NM_001276506.2, NM_001276503.2, NM_001276504.2).
Identifiers: ClinVar variation 3757566 (VCV003757566.2).

ClinVar aggregate classification (germline): Uncertain significance (1 of 4 stars; one submission).

Conditions:
Pheochromocytoma. Also called: MAX-Related Hereditary Paraganglioma-Pheochromocytoma Syndrome. Identifiers: Orphanet 29072, MedGen C0031511, MONDO:0008233, OMIM 171300, HP:0002666.
Carney-Stratakis syndrome. Also called: PARAGANGLIOMA AND GASTROINTESTINAL STROMAL TUMOR. Identifiers: Orphanet 97286, MedGen C1847319, MONDO:0011740, OMIM 606864.
Paragangliomas with sensorineural hearing loss. Identifiers: MedGen C1868633.
Cowden syndrome 3 (CWS3). Identifiers: Orphanet 201, MedGen CN166604, MONDO:0014045.

Submission:

Labcorp Genetics (formerly Invitae), Labcorp
Classification: Uncertain significance for Carney-Stratakis syndrome; Paragangliomas with sensorineural hearing loss; Pheochromocytoma; Cowden syndrome 3. Last evaluated: 2024-08-07. Review status: criteria provided, single submitter. Criteria: Invitae Variant Classification Sherloc (09022015). Collection method: clinical testing. Allele origin: germline.
Comment: This sequence change falls in intron 1 of the SDHD gene. It does not directly change the encoded amino acid sequence of the SDHD protein. It affects a nucleotide within the consensus splice site. This variant is not present in population databases (gnomAD no frequency). This variant has not been reported in the literature in individuals affected with SDHD-related conditions. Variants that disrupt the consensus splice site are a relatively common cause of aberrant splicing (PMID: 17576681, 9536098). Algorithms developed to predict the effect of sequence changes on RNA splicing suggest that this variant may disrupt the consensus splice site. In summary, the available evidence is currently insufficient to determine the role of this variant in disease. Therefore, it has been classified as a Variant of Uncertain Significance.

Literature cited by the submitters: PubMed 17576681; PubMed 9536098.